The following is an entry in ClinVar:

NM_001267550.2(TTN):c.7237_7243dup (p.Glu2415delinsAlaHisTer)

Genes: TTN (titin; minus strand), LOC126806433 (BRD4-independent group 4 enhancer GRCh37_chr2:179638309-179639508; plus strand). Cytogenetic location: 2q31.2.
Variant type: Duplication.
Coding change: c.7237_7243dup on transcript NM_001267550.2 (MANE Select); coding-DNA positions 7237 to 7243, 7 bases duplicated (CTCATTG; older notation c.7237_7243dupCTCATTG).
Protein change: p.Glu2415delinsAlaHisTer.
Molecular consequence: nonsense.
Genome position (GRCh38, 1-based): chr2:178,773,925-178,773,931, CAATGAG duplicated on the plus strand (CTCATTG on the coding strand, the reverse complement: TTN is on the minus strand); duplicating any 7 consecutive bases within chr2:178,773,925-178,773,933 gives the same sequence; the c. name uses the placement nearest the transcript's 3' end. VCF-style (leftmost placement, unchanged base first): chr2-178773924-T-TCAATGAG. GRCh37 (hg19) VCF-style: chr2-179638651-T-TCAATGAG.
Other names: c.7237_7243dup, p.Glu2415delinsAlaHisTer (NM_001256850.1, NM_133378.4, NM_133379.5); c.7099_7105dup, p.Glu2369delinsAlaHisTer (NM_003319.4, NM_133432.3, NM_133437.4).
Identifiers: ClinVar variation 4786057 (VCV004786057.1).

ClinVar aggregate classification (germline): Likely pathogenic (1 of 4 stars; one submission).

Conditions:
Autosomal recessive limb-girdle muscular dystrophy type 2J (LGMDR10). Also called: Limb-girdle muscular dystrophy, type 2J; MUSCULAR DYSTROPHY, LIMB-GIRDLE, AUTOSOMAL RECESSIVE 10. Identifiers: Orphanet 140922, MedGen C1837342, MONDO:0012127, OMIM 608807.
Dilated cardiomyopathy 1G (CMD1G). Identifiers: Orphanet 154, MedGen C1858763, MONDO:0011400, OMIM 604145.

Submission:

Labcorp Genetics (formerly Invitae), Labcorp
Classification: Likely pathogenic for Dilated cardiomyopathy 1G; Autosomal recessive limb-girdle muscular dystrophy type 2J. Last evaluated: 2025-09-04. Review status: criteria provided, single submitter. Criteria: Invitae Variant Classification Sherloc (09022015). Collection method: clinical testing. Allele origin: germline.
Comment: This sequence change creates a premature translational stop signal (p.Glu2415delinsAlaHis*) in the TTN gene. While this is not anticipated to result in nonsense mediated decay, it is expected to create a truncated TTN protein. This variant is not present in population databases (gnomAD no frequency). This variant has not been reported in the literature in individuals affected with TTN-related conditions. Algorithms developed to predict the effect of sequence changes on RNA splicing suggest that this variant may disrupt the consensus splice site. This variant is located in the I band of TTN (PMID: 25589632). Truncating variants in this region have been reported in individuals affected with autosomal recessive centronuclear myopathy (PMID: 23975875, internal data). Truncating variants in this region have also been identified in individuals affected with autosomal dominant dilated cardiomyopathy and/or cardio-related conditions (PMID: 27869827, 32964742, internal data). In summary, the currently available evidence indicates that the variant is pathogenic, but additional data are needed to prove that conclusively. Therefore, this variant has been classified as Likely Pathogenic.

Literature cited by the submitters: PubMed 25589632; PubMed 23975875; PubMed 27869827; PubMed 32964742.